The following is an entry in ClinVar:

ClinVar aggregate classification (germline): Benign. Review status: criteria provided, multiple submitters, no conflicts (2 of 4 stars). 3 submissions from 3 submitters: Benign (2). 1 of the submissions does not count toward it. Last evaluated 2018-05-08.

Conditions:
PIK3C2B-related disorder. Also called: PIK3C2B-related condition.

Allele frequency attached by ClinVar (database versions not stated): gnomAD 0.00554 and 0.00513; TOPMed 0.00557; ExAC 0.00174; ESP Exome Variant Server 0.00638; 1000 Genomes Project 30x 0.00531; 1000 Genomes Project 0.00539.
gnomAD v4.1: 1,555 of 1,614,118 alleles (0.096%); highest among the groups gnomAD compares: African/African-American, 1.8%; 26 homozygotes.

Submissions (3):

Labcorp Genetics (formerly Invitae), Labcorp
Classification: Benign. Last evaluated: 2018-05-08. Review status: criteria provided, single submitter. Criteria: Invitae Variant Classification Sherloc (09022015). Collection method: clinical testing. Allele origin: germline.

Breakthrough Genomics
Classification: Benign. Review status: criteria provided, single submitter. Criteria: ACMG Guidelines, 2015. Collection method: not provided. Allele origin: germline. Inheritance: Unknown mechanism. Affected: yes.

PreventionGenetics, part of Exact Sciences
Classification: Benign for PIK3C2B-related condition. Last evaluated: 2024-03-12. Review status: no assertion criteria provided. Collection method: clinical testing. Allele origin: germline. Not counted in ClinVar's aggregate classification.
Comment: This variant is classified as benign based on ACMG/AMP sequence variant interpretation guidelines (Richards et al. 2015 PMID: 25741868, with internal and published modifications).

NM_001377334.1(PIK3C2B):c.4091C>G (p.Ser1364Cys)

Gene: PIK3C2B (phosphatidylinositol-4-phosphate 3-kinase catalytic subunit type 2 beta; minus strand). Cytogenetic location: 1q32.1.
Variant type: single nucleotide variant.
Coding change: c.4091C>G on transcript NM_001377334.1 (MANE Select); coding-DNA position 4091, C replaced by G.
Protein change: p.Ser1364Cys; replaces serine 1364 with cysteine.
Molecular consequence: missense variant.
Genome position (GRCh38, 1-based): chr1:204,432,264, G>C on the plus strand (C>G on the coding strand, the complement: PIK3C2B is on the minus strand). VCF-style: chr1-204432264-G-C. GRCh37 (hg19) VCF-style: chr1-204401392-G-C.
Other names: c.4007C>G, p.Ser1336Cys (NM_001377335.1); c.4091C>G, p.Ser1364Cys (NM_002646.4); short protein forms S1364C, S1336C.
Identifiers: ClinVar variation 709589 (VCV000709589.6), dbSNP rs61758001, ClinGen allele CA1347259.